The following is an entry in ClinVar:

ClinVar aggregate classification (germline): Uncertain significance (1 of 4 stars; one submission).

Conditions:
Hereditary cancer-predisposing syndrome. Also called: Neoplastic Syndromes, Hereditary; Tumor predisposition; Hereditary Cancer Syndrome; Hereditary neoplastic syndrome. Identifiers: Orphanet 140162, MedGen C0027672, MeSH D009386, MONDO:0015356.

Submission:

Ambry Genetics
Classification: Uncertain significance for Hereditary cancer-predisposing syndrome. Last evaluated: 2025-06-27. Review status: criteria provided, single submitter. Criteria: Ambry Variant Classification Scheme 2023. Collection method: clinical testing. Allele origin: germline.
Comment: The p.T1170S variant (also known as c.3509C>G), located in coding exon 24 of the SMARCA4 gene, results from a C to G substitution at nucleotide position 3509. The threonine at codon 1170 is replaced by serine, an amino acid with similar properties. This amino acid position is highly conserved in available vertebrate species. In addition, the in silico prediction for this alteration is inconclusive. Since supporting evidence is limited at this time, the clinical significance of this alteration remains unclear.

NM_003072.5(SMARCA4):c.3509C>G (p.Thr1170Ser)

Gene: SMARCA4 (SWI/SNF related BAF chromatin remodeling complex subunit ATPase 4; plus strand). Cytogenetic location: 19p13.2.
Variant type: single nucleotide variant.
Coding change: c.3509C>G on transcript NM_003072.5 (MANE Select); coding-DNA position 3509, C replaced by G.
Protein change: p.Thr1170Ser; replaces threonine 1170 with serine.
Molecular consequence: missense variant. On other transcripts: non-coding transcript variant (1).
Genome position (GRCh38, 1-based): chr19:11,030,856, C>G. VCF-style: chr19-11030856-C-G. GRCh37 (hg19) VCF-style: chr19-11141532-C-G.
Other names: c.3509C>G, p.Thr1170Ser (NM_001128844.3, NM_001128845.2, NM_001128846.2 and 6 more transcripts); short protein forms T1170S.
Identifiers: ClinVar variation 1732135 (VCV001732135.3), dbSNP rs2146602063, ClinGen allele CA404063299.